The following is an entry in ClinVar:

ClinVar aggregate classification (germline): Conflicting classifications of pathogenicity. Review status: criteria provided, conflicting classifications (1 of 4 stars). 2 submissions from 1 submitter: Uncertain significance (1); Likely benign (1). Last evaluated 2018-01-13.

Conditions:
Sacral defect with anterior meningocele. Identifiers: MedGen C1838568, OMIM 600145.
Neural tube defect (NTD). Also called: Neural tube defects. Identifiers: Orphanet 3388, Orphanet 823, MedGen C0027794, MONDO:0018075, HP:0045005.

Allele frequency attached by ClinVar (database versions not stated): gnomAD 0.00001 and 0.00002; TOPMed 0.00001; gnomAD exomes 0.00003 and 0.00006; ExAC 0.00006; ESP Exome Variant Server 0.00008; 1000 Genomes Project 0.00020; 1000 Genomes Project 30x 0.00031.
gnomAD v4.1: 42 of 1,614,110 alleles (0.0026%); highest among the groups gnomAD compares: Middle Eastern, 0.016%; no homozygotes.

Submissions (2):

Illumina Laboratory Services, Illumina
Classification: Uncertain significance for Neural tube defects, susceptibility to. Last evaluated: 2018-01-13. Review status: criteria provided, single submitter. Criteria: ICSL Variant Classification Criteria 13 December 2019. Collection method: clinical testing. Allele origin: germline.

Illumina Laboratory Services, Illumina
Classification: Likely benign for Sacral defect with anterior meningocele. Last evaluated: 2018-01-13. Review status: criteria provided, single submitter. Criteria: ICSL Variant Classification Criteria 13 December 2019. Collection method: clinical testing. Allele origin: germline.
Comment: This variant was observed in the ICSL laboratory as part of a predisposition screen in an ostensibly healthy population. It had not been previously curated by ICSL or reported in the Human Gene Mutation Database (HGMD: prior to June 1st, 2018), and was therefore a candidate for classification through an automated scoring system. Utilizing variant allele frequency, disease prevalence and penetrance estimates, and inheritance mode, an automated score was calculated to assess if this variant is too frequent to cause the disease. Based on the score and internal cut-off values, a variant classified as likely benign is not then subjected to further curation. The score for this variant resulted in a classification of likely benign for this disease.

NM_138959.3(VANGL1):c.114C>T (p.Asp38=)

Gene: VANGL1 (VANGL planar cell polarity protein 1; plus strand). Cytogenetic location: 1p13.1.
Variant type: single nucleotide variant.
Coding change: c.114C>T on transcript NM_138959.3 (MANE Select); coding-DNA position 114, C replaced by T.
Protein change: p.Asp38=; no amino-acid change (aspartic acid 38 retained).
Molecular consequence: synonymous variant.
Genome position (GRCh38, 1-based): chr1:115,659,683, C>T. VCF-style: chr1-115659683-C-T. GRCh37 (hg19) VCF-style: chr1-116202304-C-T.
Other names: c.114C>T, p.Asp38= (NM_001172411.2, NM_001172412.2).
Identifiers: ClinVar variation 292003 (VCV000292003.5), dbSNP rs201840785, ClinGen allele CA1023151.
Genomic context (GRCh38, chr1:115,659,683, plus strand): 5'-CTCATTGTTGTTTTTCAGGGAAAGAACTAGAGAGAGACACAAGTCACCCCGGAATAAAGA[C>T]GGCAGAGGGTCAGAAAAGTCTGTCACCATTCAACCTCCCACTGGAGAGCCCCTGTTGGGA-3'
Protein context (NP_620409.1, residues 28-48): RERHKSPRNK[Asp38=]GRGSEKSVTI